The following is an entry in ClinVar:

ClinVar aggregate classification (germline): Uncertain significance. Review status: criteria provided, multiple submitters, no conflicts (2 of 4 stars). 5 submissions from 5 submitters: Uncertain significance (4). 1 of the submissions does not count toward it. Last evaluated 2025-10-01.

Conditions:
Emery-Dreifuss muscular dystrophy (EDMD). Also called: Scapuloperoneal syndrome, X-linked (formerly); Humeroperoneal neuromuscular disease, (formerly). Identifiers: Orphanet 261, MedGen C0410189, MONDO:0016830.
Cardiovascular phenotype. Identifiers: MedGen CN230736.
X-linked Emery-Dreifuss muscular dystrophy. Also called: Muscular dystrophy, tardive Emery-Dreifuss type, with contractures. Identifiers: Orphanet 261, Orphanet 98863, MedGen C0751337, MONDO:0010680.

Allele frequency attached by ClinVar (database versions not stated): ExAC 0.00001; gnomAD exomes 0.00001.

Submissions (5):

Ambry Genetics
Classification: Uncertain significance for Cardiovascular phenotype. Last evaluated: 2025-10-01. Review status: criteria provided, single submitter. Criteria: Ambry Variant Classification Scheme 2023. Collection method: clinical testing. Allele origin: germline.
Comment: The p.S192F variant (also known as c.575C>T), located in coding exon 6 of the EMD gene, results from a C to T substitution at nucleotide position 575. The serine at codon 192 is replaced by phenylalanine, an amino acid with highly dissimilar properties. Based on data from gnomAD, the T allele has an overall frequency of 0.0011% (2/183126) total alleles studied, with 1 hemizygote(s) observed. The highest observed frequency was 0.0036% (1/27422) of Latino alleles. This amino acid position is well conserved in available vertebrate species. In addition, this alteration is predicted to be tolerated by in silico analysis. Based on the available evidence, the clinical significance of this variant remains unclear.

Labcorp Genetics (formerly Invitae), Labcorp
Classification: Uncertain significance for X-linked Emery-Dreifuss muscular dystrophy. Last evaluated: 2025-09-08. Review status: criteria provided, single submitter. Criteria: Invitae Variant Classification Sherloc (09022015). Collection method: clinical testing. Allele origin: germline.
Comment: This sequence change replaces serine, which is neutral and polar, with phenylalanine, which is neutral and non-polar, at codon 192 of the EMD protein (p.Ser192Phe). This variant is present in population databases (rs782393829, gnomAD 0.004%), including at least one homozygous and/or hemizygous individual. This missense change has been observed in individual(s) with dilated cardiomyopathy (PMID: 32880476). ClinVar contains an entry for this variant (Variation ID: 966245). Invitae Evidence Modeling of protein sequence and biophysical properties (such as structural, functional, and spatial information, amino acid conservation, physicochemical variation, residue mobility, and thermodynamic stability) indicates that this missense variant is expected to disrupt EMD protein function with a positive predictive value of 80%. In summary, the available evidence is currently insufficient to determine the role of this variant in disease. Therefore, it has been classified as a Variant of Uncertain Significance.

CeGaT Center for Human Genetics Tuebingen
Classification: Uncertain significance. Last evaluated: 2024-07-01. Review status: criteria provided, single submitter. Criteria: CeGaT Center For Human Genetics Tuebingen Variant Classification Criteria Version 2. Collection method: clinical testing. Allele origin: germline. Affected: yes. Observed: 2 variant alleles.

Blueprint Genetics
Classification: Uncertain significance. Last evaluated: 2022-06-09. Review status: criteria provided, single submitter. Criteria: ACMG Guidelines, 2015. Collection method: clinical testing. Allele origin: germline.

Natera, Inc.
Classification: Uncertain significance for Emery-Dreifuss muscular dystrophy. Last evaluated: 2020-08-24. Review status: no assertion criteria provided. Collection method: clinical testing. Allele origin: germline. Not counted in ClinVar's aggregate classification.

Literature cited by the submitters: PubMed 32880476 (cited by Labcorp Genetics (formerly Invitae), Labcorp).

NM_000117.3(EMD):c.575C>T (p.Ser192Phe)

Gene: EMD (emerin; plus strand). Cytogenetic location: Xq28.
Variant type: single nucleotide variant.
Coding change: c.575C>T on transcript NM_000117.3 (MANE Select); coding-DNA position 575, C replaced by T.
Protein change: p.Ser192Phe; replaces serine 192 with phenylalanine.
Molecular consequence: missense variant.
Genome position (GRCh38, 1-based): chrX:154,381,007, C>T. VCF-style: chrX-154381007-C-T. GRCh37 (hg19) VCF-style: chrX-153609367-C-T.
Other names: short protein forms S192F.
Identifiers: ClinVar variation 966245 (VCV000966245.32), dbSNP rs782393829, ClinGen allele CA10561635.